The following is an entry in ClinVar:

ClinVar aggregate classification (germline): Conflicting classifications of pathogenicity. Review status: criteria provided, conflicting classifications (1 of 4 stars). 4 submissions from 4 submitters: Uncertain significance (1); Likely benign (2). 1 of the submissions does not count toward it. Last evaluated 2025-05-14.

Conditions:
Inborn genetic diseases. Identifiers: MedGen C0950123, MeSH D030342.
Maturity-onset diabetes of the young (MODY). Also called: Maturity onset diabetes mellitus in young. Identifiers: Orphanet 552, MedGen C0342276, MONDO:0018911, HP:0004904.
Permanent neonatal diabetes mellitus (PNDM). Identifiers: Orphanet 99885, MedGen C1833104, MONDO:0100164, MONDO:0011643. Disease mechanism: gain of function.

Allele frequency attached by ClinVar (database versions not stated): TOPMed below 0.00001; gnomAD 0.00001; gnomAD exomes 0.00002 and 0.00004.
gnomAD v4.1: 32 of 1,612,252 alleles (0.002%); highest among the groups gnomAD compares: Middle Eastern, 0.033%; 1 homozygote.

Submissions (4):

Ambry Genetics
Classification: Likely benign for Inborn genetic diseases. Last evaluated: 2025-05-14. Review status: criteria provided, single submitter. Criteria: Ambry Variant Classification Scheme 2023. Collection method: clinical testing. Allele origin: germline.

Labcorp Genetics (formerly Invitae), Labcorp
Classification: Likely benign. Last evaluated: 2024-02-11. Review status: criteria provided, single submitter. Criteria: Invitae Variant Classification Sherloc (09022015). Collection method: clinical testing. Allele origin: germline.

Clinical Genomics, Uppaluri K&H Personalized Medicine Clinic
Classification: Uncertain significance for Maturity-onset diabetes of the young. Review status: criteria provided, single submitter. Criteria: K&H Uppaluri Personalized Medicine Clinic Variant Classification & Assertion Criteria. Collection method: research. Allele origin: somatic. Inheritance: Autosomal dominant inheritance.
Comment: Mutations in KCNJ11 gene can cause decreased production and secretion of insulin. This can lead to MODY which may be responsive to oral sulfonylureas. It is also associated with Neonatal Diabetes. However, no sufficient evidence is found to ascertain the role of rs1260020267 variant in MODY yet.

Natera, Inc.
Classification: Likely benign for Permanent neonatal diabetes mellitus. Last evaluated: 2020-02-04. Review status: no assertion criteria provided. Collection method: clinical testing. Allele origin: germline. Not counted in ClinVar's aggregate classification.

Literature cited by the submitters: PubMed 26448950 (cited by Clinical Genomics, Uppaluri K&H Personalized Medicine Clinic); PubMed 15580558 (cited by Clinical Genomics, Uppaluri K&H Personalized Medicine Clinic); PubMed 15718250 (cited by Clinical Genomics, Uppaluri K&H Personalized Medicine Clinic); PubMed 32935446 (cited by Clinical Genomics, Uppaluri K&H Personalized Medicine Clinic); PubMed 22701567 (cited by Clinical Genomics, Uppaluri K&H Personalized Medicine Clinic).

NM_000525.4(KCNJ11):c.561G>A (p.Ala187=)

Gene: KCNJ11 (potassium inwardly rectifying channel subfamily J member 11; minus strand). Cytogenetic location: 11p15.1.
Variant type: single nucleotide variant.
Coding change: c.561G>A on transcript NM_000525.4 (MANE Select); coding-DNA position 561, G replaced by A.
Protein change: p.Ala187=; no amino-acid change (alanine 187 retained).
Molecular consequence: synonymous variant.
Genome position (GRCh38, 1-based): chr11:17,387,531, C>T on the plus strand (G>A on the coding strand, the complement: KCNJ11 is on the minus strand). VCF-style: chr11-17387531-C-T. GRCh37 (hg19) VCF-style: chr11-17409078-C-T.
Other names: c.300G>A, p.Ala100= (NM_001166290.2, NM_001377296.1, NM_001377297.1).
Identifiers: ClinVar variation 793271 (VCV000793271.13), dbSNP rs1260020267, ClinGen allele CA473515468.
Genomic context (GRCh38, chr11:17,387,531, plus strand): 5'-CTTGCGGAGGTCACCCACACGTAGCATGAAGCAGAGGCGGCCGTGGCGCAGGGCGATCAC[C>T]GCATGCTTGCTGAAGATGAGGGTCTCAGCCCTGCGGTGGGCTTGGGCAGTCTTCATGAAG-3'
Protein context (NP_000516.3, residues 177-197): RAETLIFSKH[Ala187=]VIALRHGRLC